The following is an entry in ClinVar:

NM_005228.5(EGFR):c.2410_2411del (p.Glu804fs)

Genes: EGFR (epidermal growth factor receptor; plus strand), EGFR-AS1 (EGFR antisense RNA 1; minus strand). Cytogenetic location: 7p11.2.
Variant type: Deletion.
Coding change: c.2410_2411del on transcript NM_005228.5 (MANE Select); coding-DNA positions 2410 to 2411, 2 bases deleted (GA; older notation c.2410_2411delGA).
Protein change: p.Glu804fs; shifts the reading frame from glutamic acid 804.
Molecular consequence: frameshift variant. On other transcripts: non-coding transcript variant (1).
Genome position (GRCh38, 1-based): chr7:55,181,419-55,181,420, GA deleted. VCF-style (leftmost placement, unchanged base first): chr7-55181418-GGA-G. GRCh37 (hg19) VCF-style: chr7-55249111-GGA-G.
Other names: c.2275_2276del, p.Glu759fs (NM_001346897.2, NM_001346899.2); c.2410_2411del, p.Glu804fs (NM_001346898.2); c.2251_2252del, p.Glu751fs (NM_001346900.2); c.1609_1610del, p.Glu537fs (NM_001346941.2); short protein forms E537fs, E751fs, E759fs, E804fs.
Identifiers: ClinVar variation 4870256 (VCV004870256.1).

ClinVar aggregate classification (germline): Uncertain significance (1 of 4 stars; one submission).

Conditions:
Hereditary cancer-predisposing syndrome. Also called: Neoplastic Syndromes, Hereditary; Tumor predisposition; Hereditary Cancer Syndrome; Hereditary neoplastic syndrome. Identifiers: Orphanet 140162, MedGen C0027672, MeSH D009386, MONDO:0015356.

Submission:

Ambry Genetics
Classification: Uncertain significance for Hereditary cancer-predisposing syndrome. Last evaluated: 2026-04-30. Review status: criteria provided, single submitter. Criteria: Ambry Variant Classification Scheme 2023. Collection method: clinical testing. Allele origin: germline.
Comment: The c.2410_2411delGA variant, located in coding exon 20 of the EGFR gene, results from a deletion of two nucleotides at nucleotide positions 2410 to 2411, causing a translational frameshift with a predicted alternate stop codon (p.E804Tfs*92). This alteration is expected to result in loss of function by premature protein truncation or nonsense-mediated mRNA decay. Although biallelic loss of function of EGFR are known to cause EGFR-related neonatal inflammatory skin and bowel disease, such associations with EGFR-related lung cancer have not been reported. Based on the supporting evidence, this variant is expected to be causative of EGFR-related neonatal inflammatory skin and bowel disease when present along with a second pathogenic variant on the other allele; however, its clinical significance for EGFR-related lung cancer is unlikely.